The following is an entry in ClinVar:

ClinVar aggregate classification (germline): Uncertain significance (1 of 4 stars; one submission).

Submission:

CeGaT Center for Human Genetics Tuebingen
Classification: Uncertain significance. Last evaluated: 2026-09-01. Review status: criteria provided, single submitter. Criteria: CeGaT Center For Human Genetics Tuebingen Variant Classification Criteria Version 2. Collection method: clinical testing. Allele origin: germline. Affected: yes. Observed: 1 variant allele.
Comment: SOS2: PM2, BP4

NM_006939.4(SOS2):c.3866C>T (p.Ala1289Val)

Gene: SOS2 (SOS Ras/Rho guanine nucleotide exchange factor 2; minus strand). Cytogenetic location: 14q21.3.
Variant type: single nucleotide variant.
Coding change: c.3866C>T on transcript NM_006939.4 (MANE Select); coding-DNA position 3866, C replaced by T.
Protein change: p.Ala1289Val; replaces alanine 1289 with valine.
Molecular consequence: missense variant.
Genome position (GRCh38, 1-based): chr14:50,118,477, G>A on the plus strand (C>T on the coding strand, the complement: SOS2 is on the minus strand). VCF-style: chr14-50118477-G-A. GRCh37 (hg19) VCF-style: chr14-50585195-G-A.
Other names: c.3767C>T, p.Ala1256Val (NM_001411020.1); short protein forms A1256V, A1289V.
Identifiers: ClinVar variation 5041511 (VCV005041511.1).